The following is an entry in ClinVar:

ClinVar aggregate classification (germline): Pathogenic (1 of 4 stars; one submission).

Conditions:
Fabry disease. Also called: ALPHA-GALACTOSIDASE A DEFICIENCY; ANDERSON-FABRY DISEASE; CERAMIDE TRIHEXOSIDASE DEFICIENCY; GLA DEFICIENCY; HEREDITARY DYSTOPIC LIPIDOSIS; Angiokeratoma corporis diffusum. Identifiers: Orphanet 324, MedGen C0002986, MONDO:0010526, OMIM 301500, HP:0001071. Disease mechanism: Fabry disease is due to inactivating mutations in the X-linked GLA gene resulting in deficiency of the enzyme Alpha Galactosidase-A., loss of function.

Submission:

Genomenon, Inc
Classification: Pathogenic for Fabry disease. Last evaluated: 2026-09-08. Review status: criteria provided, single submitter. Criteria: Genomenon Sequence Variant Interpretation Standards - Updated. Collection method: curation. Allele origin: germline. Affected: yes.
Comment: GLA p.Trp262LeufsTer3 (c.782dup) is a frameshift variant that is predicted to introduce a premature termination codon and result in a truncated or absent protein product. This variant has been observed in at least one proband with clinical features consistent with Fabry disease (PMID:36411388;39260623;12428061;25974833). Functional or patient cell studies have been reported (PMID:25974833). It is absent or not present at a significant frequency in gnomAD. In conclusion, we classify GLA p.Trp262LeufsTer3 (c.782dup) as a pathogenic variant.

Literature cited by the submitters: PubMed 36411388; PubMed 39260623; PubMed 12428061; PubMed 25974833.

NM_000169.3(GLA):c.782dup (p.Trp262fs)

Genes: GLA (galactosidase alpha; minus strand), RPL36A-HNRNPH2 (RPL36A-HNRNPH2 readthrough; plus strand). Cytogenetic location: Xq22.1.
Variant type: Duplication.
Coding change: c.782dup on transcript NM_000169.3 (MANE Select); coding-DNA position 782, one base duplicated (G; older notation c.782dupG).
Protein change: p.Trp262fs; shifts the reading frame from tryptophan 262.
Molecular consequence: frameshift variant. On other transcripts: non-coding transcript variant (3), intron variant (2).
Genome position (GRCh38, 1-based): chrX:101,398,804, C duplicated on the plus strand (G on the coding strand, the reverse complement: GLA is on the minus strand); the first of 5 consecutive C bases (chrX:101,398,804-101,398,808); duplicating any one gives the same sequence. VCF-style (leftmost placement, unchanged base first): chrX-101398803-A-AC. GRCh37 (hg19) VCF-style: chrX-100653791-A-AC.
Other names: c.905dup, p.Trp303fs (NM_001406747.1); c.782dup, p.Trp262fs (NM_001406748.1); c.300+3351dup (NM_001199973.2); c.177+6986dup (NM_001199974.2); short protein forms W262fs, W303fs.
Identifiers: ClinVar variation 4087007 (VCV004087007.2), dbSNP rs869312400.
Genomic context (GRCh38, chrX:101,398,803, plus strand): 5'-GCCTACCGCAGGGTCTTGAACAAGGAGGGCTCAAGTTTTTACCATATCTGGGTCATTCCA[A>AC]CCCCCTGGTCCAGCAACATCAACAATTCTCTCCTGGTTAAAAGATGTCCAGTCCAAGATA-3'